The following is an entry in ClinVar:

NM_022124.6(CDH23):c.1305G>C (p.Glu435Asp)

Gene: CDH23 (cadherin related 23; plus strand). Cytogenetic location: 10q22.1.
Variant type: single nucleotide variant.
Coding change: c.1305G>C on transcript NM_022124.6 (MANE Select); coding-DNA position 1305, G replaced by C.
Protein change: p.Glu435Asp; replaces glutamic acid 435 with aspartic acid.
Molecular consequence: missense variant.
Genome position (GRCh38, 1-based): chr10:71,646,473, G>C. VCF-style: chr10-71646473-G-C. GRCh37 (hg19) VCF-style: chr10-73406230-G-C.
Other names: c.1305G>C, p.Glu435Asp (NM_001171930.2, NM_001171931.2, NM_052836.4); short protein forms E435D.
Identifiers: ClinVar variation 959161 (VCV000959161.9), dbSNP rs770510708, ClinGen allele CA5543771.

ClinVar aggregate classification (germline): Uncertain significance. Review status: criteria provided, multiple submitters, no conflicts (2 of 4 stars). 4 submissions from 4 submitters: Uncertain significance (3). 1 of the submissions does not count toward it. Last evaluated 2025-08-26.

Conditions:
Inborn genetic diseases. Identifiers: MedGen C0950123, MeSH D030342.
Usher syndrome type 1 (USH1). Also called: RETINITIS PIGMENTOSA AND CONGENITAL DEAFNESS. Identifiers: Orphanet 231169, Orphanet 886, MedGen C1568247, MONDO:0010168, OMIM 276900.
Pituitary adenoma 5, multiple types. Identifiers: MedGen C4539685, MONDO:0054601, OMIM 617540.
Usher syndrome type 1D (USH1D). Also called: USHER SYNDROME, TYPE ID. Identifiers: Orphanet 231169, Orphanet 886, MedGen C1832845, MONDO:0010984, OMIM 601067.
Autosomal recessive nonsyndromic hearing loss 12. Also called: DEAFNESS, AUTOSOMAL RECESSIVE 12. Identifiers: Orphanet 90636, MedGen C1832394, MONDO:0011067, OMIM 601386.

Allele frequency attached by ClinVar (database versions not stated): ExAC 0.00001; gnomAD exomes 0.00001; TOPMed 0.00003.
gnomAD v4.1: 27 of 1,613,818 alleles (0.0017%); highest among the groups gnomAD compares: Non-Finnish European, 0.0021%; 1 homozygote.

Submissions (4):

Ambry Genetics
Classification: Uncertain significance for Inborn genetic diseases. Last evaluated: 2025-08-26. Review status: criteria provided, single submitter. Criteria: Ambry Variant Classification Scheme 2023. Collection method: clinical testing. Allele origin: germline.

Labcorp Genetics (formerly Invitae), Labcorp
Classification: Uncertain significance. Last evaluated: 2022-03-10. Review status: criteria provided, single submitter. Criteria: Invitae Variant Classification Sherloc (09022015). Collection method: clinical testing. Allele origin: germline.
Comment: This sequence change replaces glutamic acid, which is acidic and polar, with aspartic acid, which is acidic and polar, at codon 435 of the CDH23 protein (p.Glu435Asp). This variant is present in population databases (rs770510708, gnomAD 0.003%). This variant has not been reported in the literature in individuals affected with CDH23-related conditions. ClinVar contains an entry for this variant (Variation ID: 959161). Algorithms developed to predict the effect of missense changes on protein structure and function are either unavailable or do not agree on the potential impact of this missense change (SIFT: "Deleterious"; PolyPhen-2: "Not Available"; Align-GVGD: "Class C35"). In summary, the available evidence is currently insufficient to determine the role of this variant in disease. Therefore, it has been classified as a Variant of Uncertain Significance.

Fulgent Genetics
Classification: Uncertain significance for Usher syndrome type 1D; Autosomal recessive nonsyndromic hearing loss 12; Pituitary adenoma 5, multiple types. Last evaluated: 2022-02-14. Review status: criteria provided, single submitter. Criteria: ACMG Guidelines, 2015. Collection method: clinical testing. Allele origin: unknown.

Natera, Inc.
Classification: Uncertain significance for Usher syndrome type 1. Last evaluated: 2020-10-20. Review status: no assertion criteria provided. Collection method: clinical testing. Allele origin: germline. Not counted in ClinVar's aggregate classification.